The following is an entry in ClinVar:

ClinVar aggregate classification (germline): Likely benign. Review status: criteria provided, multiple submitters, no conflicts (2 of 4 stars). 2 submissions from 2 submitters: Likely benign (2). Last evaluated 2025-09-26.

Conditions:
TUB-related disorder. Also called: TUB-related condition.

Allele frequency attached by ClinVar (database versions not stated): TOPMed below 0.00001; gnomAD 0.00001.
gnomAD v4.1: 2 of 1,614,084 alleles (0.00012%); highest among the groups gnomAD compares: African/African-American, 0.0027%; no homozygotes.

Submissions (2):

PreventionGenetics, part of Exact Sciences
Classification: Likely benign for TUB-related condition. Last evaluated: 2025-09-26. Review status: criteria provided, single submitter. Criteria: ACMG Guidelines, 2015. Collection method: clinical testing. Allele origin: germline.
Comment: This variant is classified as likely benign based on ACMG/AMP sequence variant interpretation guidelines (Richards et al. 2015 PMID: 25741868, with internal and published modifications).

Labcorp Genetics (formerly Invitae), Labcorp
Classification: Likely benign. Last evaluated: 2024-04-17. Review status: criteria provided, single submitter. Criteria: Invitae Variant Classification Sherloc (09022015). Collection method: clinical testing. Allele origin: germline.

NM_177972.3(TUB):c.858G>C (p.Leu286=)

Genes: RIC3 (RIC3 acetylcholine receptor chaperone; minus strand), TUB (TUB bipartite transcription factor; plus strand). Cytogenetic location: 11p15.4.
Variant type: single nucleotide variant.
Coding change: c.858G>C on transcript NM_177972.3 (MANE Select); coding-DNA position 858, G replaced by C.
Protein change: p.Leu286=; no amino-acid change (leucine 286 retained).
Molecular consequence: synonymous variant.
Genome position (GRCh38, 1-based): chr11:8,097,398, G>C. VCF-style: chr11-8097398-G-C. GRCh37 (hg19) VCF-style: chr11-8118945-G-C.
Other names: c.1023G>C, p.Leu341= (NM_003320.5); c.1023G>C (NM_003320.4).
Identifiers: ClinVar variation 1124488 (VCV001124488.10), dbSNP rs756724213, ClinGen allele CA473009568.
Genomic context (GRCh38, chr11:8,097,398, plus strand): 5'-ATGCCGCATCACTCGGGACAAGAAAGGGATGGACCGGGGCATGTACCCCACCTACTTTCT[G>C]CACCTGGACCGTGAGGATGGGAAGAAGGTAAGGTTGGTCTGGGCATGTTATCATCTAGGC-3'
Protein context (NP_813977.1, residues 276-296): MDRGMYPTYF[Leu286=]HLDREDGKKV